The following is an entry in ClinVar:

ClinVar aggregate classification (germline): Conflicting classifications of pathogenicity. Review status: criteria provided, conflicting classifications (1 of 4 stars). 5 submissions from 5 submitters: Uncertain significance (2); Likely benign (3). Last evaluated 2026-01-26.

Conditions:
IGHMBP2-related disorder. Also called: IGHMBP2-related disorders; IGHMBP2-related condition.
Inborn genetic diseases. Identifiers: MedGen C0950123, MeSH D030342.
Charcot-Marie-Tooth disease axonal type 2S. Also called: CHARCOT-MARIE-TOOTH DISEASE, AXONAL, AUTOSOMAL RECESSIVE, TYPE 2S; CHARCOT-MARIE-TOOTH NEUROPATHY, TYPE 2S. Identifiers: Orphanet 443073, MedGen C4015349, MONDO:0014511, OMIM 616155.
Autosomal recessive distal spinal muscular atrophy 1. Also called: HMN VI; SEVERE INFANTILE AXONAL NEUROPATHY WITH RESPIRATORY FAILURE; SPINAL MUSCULAR ATROPHY, DIAPHRAGMATIC; NEURONOPATHY, SEVERE INFANTILE AXONAL, WITH RESPIRATORY FAILURE; Spinal muscular atrophy with respiratory distress 1; NEURONOPATHY, DISTAL HEREDITARY MOTOR, HARDING TYPE VI. Identifiers: Orphanet 98920, MedGen C1858517, MONDO:0011436, OMIM 604320.

Allele frequency attached by ClinVar (database versions not stated): ESP Exome Variant Server 0.00015; TOPMed 0.00022.
gnomAD v4.1: 63 of 1,612,560 alleles (0.0039%); highest among the groups gnomAD compares: African/African-American, 0.068%; no homozygotes.

Submissions (5):

Labcorp Genetics (formerly Invitae), Labcorp
Classification: Likely benign for Autosomal recessive distal spinal muscular atrophy 1; Charcot-Marie-Tooth disease axonal type 2S. Last evaluated: 2026-01-26. Review status: criteria provided, single submitter. Criteria: Invitae Variant Classification Sherloc (09022015). Collection method: clinical testing. Allele origin: germline.

PreventionGenetics, part of Exact Sciences
Classification: Likely benign for IGHMBP2-related condition. Last evaluated: 2025-05-07. Review status: criteria provided, single submitter. Criteria: ACMG Guidelines, 2015. Collection method: clinical testing. Allele origin: germline.
Comment: This variant is classified as likely benign based on ACMG/AMP sequence variant interpretation guidelines (Richards et al. 2015 PMID: 25741868, with internal and published modifications).

Revvity Omics, Revvity
Classification: Uncertain significance. Last evaluated: 2020-03-13. Review status: criteria provided, single submitter. Criteria: ACMG Guidelines, 2015. Collection method: clinical testing. Allele origin: germline.

Ambry Genetics
Classification: Likely benign for Inborn genetic diseases. Last evaluated: 2019-07-11. Review status: criteria provided, single submitter. Criteria: Ambry Variant Classification Scheme 2023. Collection method: clinical testing. Allele origin: germline.

Eurofins Ntd Llc (ga)
Classification: Uncertain significance. Last evaluated: 2016-12-29. Review status: criteria provided, single submitter. Criteria: EGL Classification Definitions 2015. Collection method: clinical testing. Allele origin: germline. Observed: 1 variant allele, 1 heterozygote.

NM_002180.3(IGHMBP2):c.1398C>T (p.Ser466=)

Gene: IGHMBP2 (immunoglobulin mu DNA binding protein 2; plus strand). Cytogenetic location: 11q13.3.
Variant type: single nucleotide variant.
Coding change: c.1398C>T on transcript NM_002180.3 (MANE Select); coding-DNA position 1398, C replaced by T.
Protein change: p.Ser466=; no amino-acid change (serine 466 retained).
Molecular consequence: synonymous variant.
Genome position (GRCh38, 1-based): chr11:68,933,461, C>T. VCF-style: chr11-68933461-C-T. GRCh37 (hg19) VCF-style: chr11-68700929-C-T.
Identifiers: ClinVar variation 498676 (VCV000498676.19), dbSNP rs147477786, ClinGen allele CA6153623.
Genomic context (GRCh38, chr11:68,933,461, plus strand): 5'-GGCTATCATGCGCTGGGCCTCAGACACCATGTACCTTGGGCAGCTCACAGCCCACTCTTC[C>T]GTGGCAAGGCACCTCCTGAGGTGAGTAGCTCGGCACCACCCGCCGCCCCATCCTTCTGCC-3'
Protein context (NP_002171.2, residues 456-476): MYLGQLTAHS[Ser466=]VARHLLRDLP